The following is an entry in ClinVar:

ClinVar aggregate classification (germline): Pathogenic (1 of 4 stars; one submission).

Conditions:
Hereditary cancer-predisposing syndrome. Also called: Neoplastic Syndromes, Hereditary; Tumor predisposition; Hereditary Cancer Syndrome; Hereditary neoplastic syndrome. Identifiers: Orphanet 140162, MedGen C0027672, MeSH D009386, MONDO:0015356.

Submission:

Ambry Genetics
Classification: Pathogenic for Hereditary cancer-predisposing syndrome. Last evaluated: 2019-03-26. Review status: criteria provided, single submitter. Criteria: Ambry Variant Classification Scheme 2023. Collection method: clinical testing. Allele origin: germline.
Comment: The c.1909delC variant, located in coding exon 11 of the PMS2 gene, results from a deletion of one nucleotide at nucleotide position 1909, causing a translational frameshift with a predicted alternate stop codon (p.Q637Sfs*28). This alteration is expected to result in loss of function by premature protein truncation or nonsense-mediated mRNA decay. As such, this alteration is interpreted as a disease-causing mutation.

NM_000535.7(PMS2):c.1909del (p.Gln637fs)

Gene: PMS2 (PMS1 homolog 2, mismatch repair system component; minus strand). Cytogenetic location: 7p22.1.
Variant type: Deletion.
Coding change: c.1909del on transcript NM_000535.7 (MANE Select); coding-DNA position 1909, one base deleted (C; older notation c.1909delC).
Protein change: p.Gln637fs; shifts the reading frame from glutamine 637.
Molecular consequence: frameshift variant. On other transcripts: non-coding transcript variant (1).
Genome position (GRCh38, 1-based): chr7:5,986,856, G deleted on the plus strand (C on the coding strand, the reverse complement: PMS2 is on the minus strand). VCF-style (leftmost placement, unchanged base first): chr7-5986855-TG-T. GRCh37 (hg19) VCF-style: chr7-6026486-TG-T.
Other names: c.1504delC, p.Gln502Serfs (NM_001018040.1, NM_001406887.1, NM_001406888.1 and 13 more transcripts); c.1504del, p.Gln502fs (NM_001322003.2, NM_001322004.2, NM_001322005.2 and 1 more transcripts); c.1753del, p.Gln585fs (NM_001322006.2); c.1591del, p.Gln531fs (NM_001322007.2, NM_001322008.2); c.1348del, p.Gln450fs (NM_001322010.2); c.976del, p.Gln326fs (NM_001322011.2, NM_001322012.2); c.1336del, p.Gln446fs (NM_001322013.2); c.1909del, p.Gln637fs (NM_001322014.2); and 19 more; short protein forms Q450fs, Q502fs, Q531fs, Q326fs, Q446fs, Q585fs, Q637fs, Q534fs.
Identifiers: ClinVar variation 1782463 (VCV001782463.2), dbSNP rs2535714534, ClinGen allele CA2580076865.